The following is an entry in ClinVar:

ClinVar aggregate classification (germline): Uncertain significance. Review status: criteria provided, multiple submitters, no conflicts (2 of 4 stars). 2 submissions from 2 submitters: Uncertain significance (2). Last evaluated 2022-08-27.

Conditions:
Hereditary spastic paraplegia 30. Identifiers: Orphanet 101010, MedGen C5235139, MONDO:0012476.
Neuropathy, hereditary sensory, type 2C. Also called: Hereditary sensory and autonomic neuropathy type IIC; KIF1A-Related HSAN2 (HSAN2C). Identifiers: Orphanet 970, MedGen C3280168, MONDO:0013634, OMIM 614213.
Intellectual disability, autosomal dominant 9 (NESCAVS). Also called: KIF1A-Related Neurodevelopmental Disorder; NESCAV SYNDROME. Identifiers: Orphanet 662367, MedGen C5393830, MONDO:0013656, OMIM 614255.

Allele frequency attached by ClinVar (database versions not stated): gnomAD 0.00001; TOPMed 0.00001.
gnomAD v4.1: 2 of 1,609,298 alleles (0.00012%); highest among the groups gnomAD compares: Non-Finnish European, 0.000085%; no homozygotes.

Submissions (2):

Labcorp Genetics (formerly Invitae), Labcorp
Classification: Uncertain significance for Hereditary spastic paraplegia 30; Neuropathy, hereditary sensory, type 2C; Intellectual disability, autosomal dominant 9. Last evaluated: 2022-08-27. Review status: criteria provided, single submitter. Criteria: Invitae Variant Classification Sherloc (09022015). Collection method: clinical testing. Allele origin: germline.
Comment: This sequence change affects codon 1024 of the KIF1A mRNA. It is a 'silent' change, meaning that it does not change the encoded amino acid sequence of the KIF1A protein. It affects a nucleotide within the consensus splice site. This variant is not present in population databases (gnomAD no frequency). This variant has not been reported in the literature in individuals affected with KIF1A-related conditions. ClinVar contains an entry for this variant (Variation ID: 447652). Algorithms developed to predict the effect of sequence changes on RNA splicing suggest that this variant is not likely to affect RNA splicing. In summary, the available evidence is currently insufficient to determine the role of this variant in disease. Therefore, it has been classified as a Variant of Uncertain Significance.

Athena Diagnostics
Classification: Uncertain significance. Last evaluated: 2016-09-09. Review status: criteria provided, single submitter. Criteria: Athena Diagnostics Criteria. Collection method: clinical testing. Allele origin: germline.

NM_001244008.2(KIF1A):c.3375C>T (p.Asn1125=)

Gene: KIF1A (kinesin family member 1A; minus strand). Cytogenetic location: 2q37.3.
Variant type: single nucleotide variant.
Coding change: c.3375C>T on transcript NM_001244008.2 (MANE Select); coding-DNA position 3375, C replaced by T.
Protein change: p.Asn1125=; no amino-acid change (asparagine 1125 retained).
Molecular consequence: synonymous variant.
Genome position (GRCh38, 1-based): chr2:240,745,517, G>A on the plus strand (C>T on the coding strand, the complement: KIF1A is on the minus strand). VCF-style: chr2-240745517-G-A. GRCh37 (hg19) VCF-style: chr2-241684934-G-A.
Other names: c.3099C>T, p.Asn1033= (NM_001320705.2, NM_001330289.2, NM_001379638.1); c.3174C>T, p.Asn1058= (NM_001330290.2, NM_001379634.1, NM_001379635.1 and 1 more transcripts); c.3450C>T, p.Asn1150= (NM_001379631.1); c.3324C>T, p.Asn1108= (NM_001379632.1); c.3348C>T, p.Asn1116= (NM_001379633.1, NM_001379642.1, NM_001379645.1); c.3072C>T, p.Asn1024= (NM_001379636.1, NM_001379639.1, NM_001379641.1 and 5 more transcripts); c.3147C>T, p.Asn1049= (NM_001379637.1, NM_001379648.1); c.3069C>T, p.Asn1023= (NM_001379640.1).
Identifiers: ClinVar variation 447652 (VCV000447652.6), dbSNP rs1380599495, ClinGen allele CA432234338.
Genomic context (GRCh38, chr2:240,745,517, plus strand): 5'-GCCTCTGCCTGTGTTCTTCAGGGGCTCTGTGGAGAAGGCCTCGTCGTGGCGGTGGATGAA[G>A]CTGCAAAGCAGAGGAGATGCTTTGGTGTGGGGTGGGGGACTTGGGATGAGACCTTACCAG-3'
Protein context (NP_001230937.1, residues 1115-1135): AEYADIFCQF[Asn1125=]FIHRHDEAFS